The following is an entry in ClinVar:

NM_006231.4(POLE):c.1682G>A (p.Arg561Lys)

Gene: POLE (DNA polymerase epsilon, catalytic subunit; minus strand). Cytogenetic location: 12q24.33.
Variant type: single nucleotide variant.
Coding change: c.1682G>A on transcript NM_006231.4 (MANE Select); coding-DNA position 1682, G replaced by A.
Protein change: p.Arg561Lys; replaces arginine 561 with lysine.
Molecular consequence: missense variant.
Genome position (GRCh38, 1-based): chr12:132,672,631, C>T on the plus strand (G>A on the coding strand, the complement: POLE is on the minus strand). VCF-style: chr12-132672631-C-T. GRCh37 (hg19) VCF-style: chr12-133249217-C-T.
Other names: c.1682G>A (NM_006231.2); short protein forms R561K.
Identifiers: ClinVar variation 1482190 (VCV001482190.9), dbSNP rs2135992705, ClinGen allele CA387356449.

ClinVar aggregate classification (germline): Uncertain significance. Review status: criteria provided, multiple submitters, no conflicts (2 of 4 stars). 2 submissions from 2 submitters: Uncertain significance (2). Last evaluated 2025-12-24.

Conditions:
Hereditary cancer-predisposing syndrome. Also called: Tumor predisposition; Hereditary Cancer Syndrome; Hereditary neoplastic syndrome; Neoplastic Syndromes, Hereditary. Identifiers: Orphanet 140162, MedGen C0027672, MeSH D009386, MONDO:0015356.

Allele frequency attached by ClinVar (database versions not stated): gnomAD exomes below 0.00001.

Submissions (2):

Labcorp Genetics (formerly Invitae), Labcorp
Classification: Uncertain significance. Last evaluated: 2025-12-24. Review status: criteria provided, single submitter. Criteria: Invitae Variant Classification Sherloc (09022015). Collection method: clinical testing. Allele origin: germline.
Comment: This sequence change replaces arginine, which is basic and polar, with lysine, which is basic and polar, at codon 561 of the POLE protein (p.Arg561Lys). This variant is not present in population databases (gnomAD no frequency). This variant has not been reported in the literature in individuals affected with POLE-related conditions. ClinVar contains an entry for this variant (Variation ID: 1482190). Invitae Evidence Modeling of protein sequence and biophysical properties (such as structural, functional, and spatial information, amino acid conservation, physicochemical variation, residue mobility, and thermodynamic stability) indicates that this missense variant is not expected to disrupt POLE protein function with a negative predictive value of 80%. In summary, the available evidence is currently insufficient to determine the role of this variant in disease. Therefore, it has been classified as a Variant of Uncertain Significance.

Ambry Genetics
Classification: Uncertain significance for Hereditary cancer-predisposing syndrome. Last evaluated: 2025-07-01. Review status: criteria provided, single submitter. Criteria: Ambry Variant Classification Scheme 2023. Collection method: clinical testing. Allele origin: germline.
Comment: The p.R561K variant (also known as c.1682G>A), located in coding exon 15 of the POLE gene, results from a G to A substitution at nucleotide position 1682. The arginine at codon 561 is replaced by lysine, an amino acid with highly similar properties. This amino acid position is conserved. In addition, this alteration is predicted to be tolerated by in silico analysis. Since supporting evidence is limited at this time, the clinical significance of this alteration remains unclear.